The following is an entry in ClinVar:

ClinVar aggregate classification (germline): Benign/Likely benign. Review status: criteria provided, multiple submitters, no conflicts (2 of 4 stars). 7 submissions from 7 submitters: Benign (1); Likely benign (5). 1 of the submissions does not count toward it. Last evaluated 2026-04-01.

Conditions:
Epidermolysis bullosa simplex, Ogna type (EBS5A). Also called: Pidermolysis bullosa simplex 5A, Ogna type; EPIDERMOLYSIS BULLOSA SIMPLEX 5A, OGNA TYPE. Identifiers: Orphanet 79401, MedGen C0432317, MONDO:0007555, OMIM 131950.
Autosomal recessive limb-girdle muscular dystrophy type 2Q (LGMDR17). Also called: MUSCULAR DYSTROPHY, LIMB-GIRDLE, AUTOSOMAL RECESSIVE 17. Identifiers: Orphanet 254361, MedGen C3150989, MONDO:0013390, OMIM 613723.
Epidermolysis bullosa simplex 5B, with muscular dystrophy (EBS5B). Also called: Epidermolysis bullosa simplex with muscular dystrophy; EPIDERMOLYSIS BULLOSA SIMPLEX AND LIMB-GIRDLE MUSCULAR DYSTROPHY. Identifiers: Orphanet 257, MedGen C2931072, MONDO:0009181, OMIM 226670.
Epidermolysis bullosa simplex with nail dystrophy (EBS5D). Identifiers: MedGen C4225309, MONDO:0014661, OMIM 616487.
Epidermolysis bullosa simplex 5C, with pyloric atresia (EBS5C). Also called: PLEC-Related Epidermolysis Bullosa with Pyloric Atresia; Epidermolysis bullosa simplex with pyloric atresia; PLEC1-Related Epidermolysis Bullosa with Pyloric Atresia. Identifiers: Orphanet 158684, MedGen C2677349, MONDO:0012807, OMIM 612138.
PLEC-related disorder. Also called: PLEC-related condition; PLEC-related disorders.

Allele frequency attached by ClinVar (database versions not stated): gnomAD exomes 0.00016 and 0.00034; 1000 Genomes Project 30x 0.00031; ExAC 0.00033; 1000 Genomes Project 0.00040; gnomAD 0.00100 and 0.00108; TOPMed 0.00106; ESP Exome Variant Server 0.00117.
gnomAD v4.1: 390 of 1,600,130 alleles (0.024%); highest among the groups gnomAD compares: African/African-American, 0.27%; 1 homozygote.

Submissions (7):

CeGaT Center for Human Genetics Tuebingen
Classification: Likely benign. Last evaluated: 2026-04-01. Review status: criteria provided, single submitter. Criteria: CeGaT Center For Human Genetics Tuebingen Variant Classification Criteria Version 2. Collection method: clinical testing. Allele origin: germline. Affected: yes. Observed: 2 variant alleles.
Comment: PLEC: BP4, BP7

Labcorp Genetics (formerly Invitae), Labcorp
Classification: Likely benign for Autosomal recessive limb-girdle muscular dystrophy type 2Q; Epidermolysis bullosa simplex, Ogna type; Epidermolysis bullosa simplex with nail dystrophy; Epidermolysis bullosa simplex 5C, with pyloric atresia; Epidermolysis bullosa simplex 5B, with muscular dystrophy. Last evaluated: 2025-12-30. Review status: criteria provided, single submitter. Criteria: Invitae Variant Classification Sherloc (09022015). Collection method: clinical testing. Allele origin: germline.

Mayo Clinic Laboratories, Mayo Clinic
Classification: Likely benign. Last evaluated: 2025-06-04. Review status: criteria provided, single submitter. Criteria: ACMG Guidelines, 2015. Collection method: clinical testing. Allele origin: germline. Observed: 1 variant allele.
Comment: BS1, BP4, BP7

Athena Diagnostics
Classification: Benign. Last evaluated: 2025-04-29. Review status: criteria provided, single submitter. Criteria: Athena Diagnostics Criteria. Collection method: clinical testing. Allele origin: unknown.
Comment: The frequency of this variant in the general population is higher than would generally be expected for pathogenic variants in this gene. Computational tools yielded predictions that this variant is unlikely to have an effect on normal RNA splicing. This nucleotide position exhibits low evolutionary conservation.

Blueprint Genetics
Classification: Likely benign. Last evaluated: 2024-10-17. Review status: criteria provided, single submitter. Criteria: ACMG Guidelines, 2015. Collection method: clinical testing. Allele origin: germline.

Eurofins Ntd Llc (ga)
Classification: Likely benign. Last evaluated: 2017-05-25. Review status: criteria provided, single submitter. Criteria: EGL Classification Definitions 2015. Collection method: clinical testing. Allele origin: germline. Observed: 9 variant alleles, 9 heterozygotes.

PreventionGenetics, part of Exact Sciences
Classification: Likely benign for PLEC-related condition. Last evaluated: 2019-04-05. Review status: no assertion criteria provided. Collection method: clinical testing. Allele origin: germline. Not counted in ClinVar's aggregate classification.
Comment: This variant is classified as likely benign based on ACMG/AMP sequence variant interpretation guidelines (Richards et al. 2015 PMID: 25741868, with internal and published modifications).

NM_201384.3(PLEC):c.6438G>A (p.Ala2146=)

Gene: PLEC (plectin; minus strand). Cytogenetic location: 8q24.3.
Variant type: single nucleotide variant.
Coding change: c.6438G>A on transcript NM_201384.3 (MANE Select); coding-DNA position 6438, G replaced by A.
Protein change: p.Ala2146=; no amino-acid change (alanine 2146 retained).
Molecular consequence: synonymous variant.
Genome position (GRCh38, 1-based): chr8:143,923,491, C>T on the plus strand (G>A on the coding strand, the complement: PLEC is on the minus strand). VCF-style: chr8-143923491-C-T. GRCh37 (hg19) VCF-style: chr8-144997659-C-T.
Other names: p.Ala2173=; c.6519G>A, p.Ala2173= (NM_000445.5); c.6396G>A, p.Ala2132= (NM_201378.4); c.6372G>A, p.Ala2124= (NM_201379.3); c.6849G>A, p.Ala2283= (NM_201380.4); c.6342G>A, p.Ala2114= (NM_201381.3); c.6438G>A, p.Ala2146= (NM_201382.4); c.6450G>A, p.Ala2150= (NM_201383.3); and 1 more.
Identifiers: ClinVar variation 471632 (VCV000471632.62), dbSNP rs374211586, ClinGen allele CA4925992.